The following is an entry in ClinVar:

NM_138348.6(OTULIN):c.311C>G (p.Thr104Arg)

Gene: OTULIN (OTU deubiquitinase with linear linkage specificity; plus strand). Cytogenetic location: 5p15.2.
Variant type: single nucleotide variant.
Coding change: c.311C>G on transcript NM_138348.6 (MANE Select); coding-DNA position 311, C replaced by G.
Protein change: p.Thr104Arg; replaces threonine 104 with arginine.
Molecular consequence: missense variant.
Genome position (GRCh38, 1-based): chr5:14,678,762, C>G. VCF-style: chr5-14678762-C-G. GRCh37 (hg19) VCF-style: chr5-14678871-C-G.
Other names: short protein forms T104R.
Identifiers: ClinVar variation 4749657 (VCV004749657.1).

ClinVar aggregate classification (germline): Uncertain significance (1 of 4 stars; one submission).

gnomAD v4.1: 1 of 1,603,456 alleles (0.000062%); highest among the groups gnomAD compares: East Asian, 0.0022%; no homozygotes.

Submission:

Labcorp Genetics (formerly Invitae), Labcorp
Classification: Uncertain significance. Last evaluated: 2025-03-23. Review status: criteria provided, single submitter. Criteria: Invitae Variant Classification Sherloc (09022015). Collection method: clinical testing. Allele origin: germline.
Comment: This sequence change replaces threonine, which is neutral and polar, with arginine, which is basic and polar, at codon 104 of the OTULIN protein (p.Thr104Arg). This variant is not present in population databases (gnomAD no frequency). This variant has not been reported in the literature in individuals affected with OTULIN-related conditions. Invitae Evidence Modeling of protein sequence and biophysical properties (such as structural, functional, and spatial information, amino acid conservation, physicochemical variation, residue mobility, and thermodynamic stability) indicates that this missense variant is not expected to disrupt OTULIN protein function with a negative predictive value of 80%. In summary, the available evidence is currently insufficient to determine the role of this variant in disease. Therefore, it has been classified as a Variant of Uncertain Significance.